The following is an entry in ClinVar:

ClinVar aggregate classification (germline): Uncertain significance. Review status: criteria provided, multiple submitters, no conflicts (2 of 4 stars). 5 submissions from 5 submitters: Uncertain significance (5). Last evaluated 2025-10-18.

Conditions:
Familial cancer of breast. Also called: Hereditary breast cancer; hereditary breast carcinoma; BREAST CANCER, FAMILIAL. Identifiers: Orphanet 227535, MedGen C0346153, MONDO:0016419, OMIM 114480. Disease mechanism: loss of function.
Fanconi anemia complementation group J. Also called: BRIP1-Related Fanconi Anemia. Identifiers: Orphanet 84, MedGen C1836860, MONDO:0012187, OMIM 609054.
Hereditary cancer-predisposing syndrome. Also called: Hereditary Cancer Syndrome; Neoplastic Syndromes, Hereditary; Hereditary neoplastic syndrome; Tumor predisposition. Identifiers: Orphanet 140162, MedGen C0027672, MeSH D009386, MONDO:0015356.

Submissions (5):

Quest Diagnostics Nichols Institute San Juan Capistrano
Classification: Uncertain significance. Last evaluated: 2025-10-18. Review status: criteria provided, single submitter. Criteria: Quest Diagnostics criteria. Collection method: clinical testing. Allele origin: unknown.
Comment: The BRIP1 c.1711_1713del (p.Leu571del) variant has not been reported in individuals with BRIP1-related conditions in the published literature. The frequency of this variant in the general population (Genome Aggregation Database) is uninformative in the assessment of its pathogenicity. Based on the available information, we are unable to determine the clinical significance of this variant.

Ambry Genetics
Classification: Uncertain significance for Hereditary cancer-predisposing syndrome. Last evaluated: 2025-05-13. Review status: criteria provided, single submitter. Criteria: Ambry Variant Classification Scheme 2023. Collection method: clinical testing. Allele origin: germline.
Comment: The c.1711_1713delTTG variant (also known as p.L571del) is located in coding exon 11 of the BRIP1 gene. This variant results from an in-frame TTG deletion at nucleotide positions 1711 to 1713. This results in the in-frame deletion of a leucine at codon 571. The deleted amino acid position is poorly conserved in available vertebrate species. In addition, the in silico prediction for this variant is inconclusive (Choi Y et al. PLoS ONE. 2012; 7(10):e46688). Based on the available evidence, the clinical significance of this variant remains unclear.

Labcorp Genetics (formerly Invitae), Labcorp
Classification: Uncertain significance for Familial cancer of breast; Fanconi anemia complementation group J. Last evaluated: 2025-04-17. Review status: criteria provided, single submitter. Criteria: Invitae Variant Classification Sherloc (09022015). Collection method: clinical testing. Allele origin: germline.
Comment: This variant, c.1711_1713del, results in the deletion of 1 amino acid(s) of the BRIP1 protein (p.Leu571del), but otherwise preserves the integrity of the reading frame. This variant is present in population databases (rs754566378, gnomAD 0.006%). This variant has not been reported in the literature in individuals affected with BRIP1-related conditions. ClinVar contains an entry for this variant (Variation ID: 819880). Experimental studies and prediction algorithms are not available or were not evaluated, and the functional significance of this variant is currently unknown. In summary, the available evidence is currently insufficient to determine the role of this variant in disease. Therefore, it has been classified as a Variant of Uncertain Significance.

Baylor Genetics
Classification: Uncertain significance for Familial cancer of breast. Last evaluated: 2023-07-29. Review status: criteria provided, single submitter. Criteria: ACMG Guidelines, 2015. Collection method: clinical testing. Allele origin: unknown.

GeneDx
Classification: Uncertain significance. Last evaluated: 2019-12-30. Review status: criteria provided, single submitter. Criteria: GeneDx Variant Classification Process June 2021. Collection method: clinical testing. Allele origin: germline. Affected: yes.
Comment: Not observed at a significant frequency in large population cohorts (Lek et al., 2016); In-frame deletion of 1 amino acid in a non-repeat region; In silico analysis, which includes protein predictors and evolutionary conservation, supports a deleterious effect; Has not been previously published as pathogenic or benign to our knowledge

NM_032043.3(BRIP1):c.1708TTG[1] (p.Leu571del)

Gene: BRIP1 (BRCA1 interacting DNA helicase 1; minus strand). Cytogenetic location: 17q23.2.
Variant type: Microsatellite.
Coding change: c.1708TTG[1] on transcript NM_032043.3 (MANE Select); one copy of the 3-base unit TTG starting at c.1708; the reference has two copies in a row; one copy, 3 bases deleted; also written c.1711_1713del.
Protein change: p.Leu571del; deletes leucine 571.
Molecular consequence: inframe deletion.
Genome position (GRCh38, 1-based): chr17:61,780,921-61,780,923, CAA deleted on the plus strand (TTG on the coding strand, the reverse complement: BRIP1 is on the minus strand); deleting any 3 consecutive bases within chr17:61,780,921-61,780,927 gives the same sequence; the position shown is the placement nearest the transcript's 3' end. VCF-style (leftmost placement, unchanged base first): chr17-61780920-CCAA-C. GRCh37 (hg19) VCF-style: chr17-59858281-CCAA-C.
Other names: c.1711_1713del (NM_032043.3); c.1711_1713delTTG (NM_032043.2); short protein forms L571del.
Identifiers: ClinVar variation 819880 (VCV000819880.12), dbSNP rs754566378, ClinGen allele CA8690682.
Genomic context (GRCh38, chr17:61,780,920, plus strand): 5'-AAAAGTTTAGCACATGAACTGCAGTTTTCTGTCGTGAACGTTTCTTATTTTTTGGTAGAA[CCAA>C]CAACCCATTTTTGTCTGAAATATCAATCTGATTTGTCCAGGAGTAAGTCTGTTGAATCGC-3'